The following is an entry in ClinVar:

NM_004304.5(ALK):c.3170T>G (p.Ile1057Ser)

Gene: ALK (ALK receptor tyrosine kinase; minus strand). Cytogenetic location: 2p23.2.
Variant type: single nucleotide variant.
Coding change: c.3170T>G on transcript NM_004304.5 (MANE Select); coding-DNA position 3170, T replaced by G.
Protein change: p.Ile1057Ser; replaces isoleucine 1057 with serine.
Molecular consequence: missense variant.
Genome position (GRCh38, 1-based): chr2:29,225,463, A>C on the plus strand (T>G on the coding strand, the complement: ALK is on the minus strand). VCF-style: chr2-29225463-A-C. GRCh37 (hg19) VCF-style: chr2-29448329-A-C.
Other names: short protein forms I1057S.
Identifiers: ClinVar variation 2586665 (VCV002586665.2), dbSNP rs747594544, ClinGen allele CA346466748.
Genomic context (GRCh38, chr2:29,225,463, plus strand): 5'-CACTATTCAGTCCTGCCTTCCTGCCCCCTTGGGAGTCCCTGGGGCTCTGTGCACTCACCA[A>C]TCATGATGCCGGAGAAAGCCAGGACCAGGGCGGCCACGAGGGCAGAGGTCACCACAGAGA-3'
Protein context (NP_004295.2, residues 1047-1067): ALVLAFSGIM[Ile1057Ser]VYRRKHQELQ

ClinVar aggregate classification (germline): Uncertain significance (1 of 4 stars; one submission).

Conditions:
Hereditary cancer-predisposing syndrome. Also called: Hereditary neoplastic syndrome; Tumor predisposition; Hereditary Cancer Syndrome; Neoplastic Syndromes, Hereditary. Identifiers: Orphanet 140162, MedGen C0027672, MeSH D009386, MONDO:0015356.

Submission:

Ambry Genetics
Classification: Uncertain significance for Hereditary cancer-predisposing syndrome. Last evaluated: 2023-06-17. Review status: criteria provided, single submitter. Criteria: Ambry Variant Classification Scheme 2023. Collection method: clinical testing. Allele origin: germline.
Comment: The p.I1057S variant (also known as c.3170T>G), located in coding exon 19 of the ALK gene, results from a T to G substitution at nucleotide position 3170. The isoleucine at codon 1057 is replaced by serine, an amino acid with dissimilar properties. This amino acid position is conserved. In addition, this alteration is predicted to be deleterious by in silico analysis. Since supporting evidence is limited at this time, the clinical significance of this alteration remains unclear.